The following is an entry in ClinVar:

NM_001130144.3(LTBP3):c.3382G>T (p.Ala1128Ser)

Genes: LTBP3 (latent transforming growth factor beta binding protein 3; minus strand), LOC130006027 (ATAC-STARR-seq lymphoblastoid silent region 3530; plus strand). Cytogenetic location: 11q13.1.
Variant type: single nucleotide variant.
Coding change: c.3382G>T on transcript NM_001130144.3 (MANE Select); coding-DNA position 3382, G replaced by T.
Protein change: p.Ala1128Ser; replaces alanine 1128 with serine.
Molecular consequence: missense variant. On other transcripts: intron variant (2).
Genome position (GRCh38, 1-based): chr11:65,540,016, C>A on the plus strand (G>T on the coding strand, the complement: LTBP3 is on the minus strand). VCF-style: chr11-65540016-C-A. GRCh37 (hg19) VCF-style: chr11-65307487-C-A.
Other names: c.2894-135G>T (NM_001164266.1); c.3245-135G>T (NM_021070.4); c.3382G>T (NM_001130144.2); short protein forms A1128S.
Identifiers: ClinVar variation 3669795 (VCV003669795.3).

ClinVar aggregate classification (germline): Uncertain significance. Review status: criteria provided, multiple submitters, no conflicts (2 of 4 stars). 2 submissions from 2 submitters: Uncertain significance (2). Last evaluated 2026-01-10.

Conditions:
Inborn genetic diseases. Identifiers: MedGen C0950123, MeSH D030342.
Brachyolmia-amelogenesis imperfecta syndrome. Also called: PLATYSPONDYLY WITH AMELOGENESIS IMPERFECTA; Tooth agenesis, selective, 6; Dental anomalies and short stature. Identifiers: Orphanet 2899, MedGen C1832594, MONDO:0011018, OMIM 601216. Disease mechanism: loss of function.

gnomAD v4.1: 4 of 1,497,618 alleles (0.00027%); highest among the groups gnomAD compares: Non-Finnish European, 0.00035%; no homozygotes.

Submissions (2):

Ambry Genetics
Classification: Uncertain significance for Inborn genetic diseases. Last evaluated: 2026-01-10. Review status: criteria provided, single submitter. Criteria: Ambry Variant Classification Scheme 2023. Collection method: clinical testing. Allele origin: germline.
Comment: The p.A1128S variant (also known as c.3382G>T), located in coding exon 24 of the LTBP3 gene, results from a G to T substitution at nucleotide position 3382. The alanine at codon 1128 is replaced by serine, an amino acid with similar properties. This amino acid position is conserved. In addition, this alteration is predicted to be tolerated by in silico analysis. Based on the available evidence, the clinical significance of this variant remains unclear.

Labcorp Genetics (formerly Invitae), Labcorp
Classification: Uncertain significance for Brachyolmia-amelogenesis imperfecta syndrome. Last evaluated: 2024-04-27. Review status: criteria provided, single submitter. Criteria: Invitae Variant Classification Sherloc (09022015). Collection method: clinical testing. Allele origin: germline.
Comment: This sequence change replaces alanine, which is neutral and non-polar, with serine, which is neutral and polar, at codon 1128 of the LTBP3 protein (p.Ala1128Ser). This variant is not present in population databases (gnomAD no frequency). This variant has not been reported in the literature in individuals affected with LTBP3-related conditions. An algorithm developed to predict the effect of missense changes on protein structure and function (PolyPhen-2) suggests that this variant is likely to be tolerated. In summary, the available evidence is currently insufficient to determine the role of this variant in disease. Therefore, it has been classified as a Variant of Uncertain Significance.